The following is an entry in ClinVar:

NM_032043.3(BRIP1):c.2097+5G>T

Gene: BRIP1 (BRCA1 interacting DNA helicase 1; minus strand). Cytogenetic location: 17q23.2.
Variant type: single nucleotide variant.
Coding change: c.2097+5G>T on transcript NM_032043.3 (MANE Select); 5 bases into the intron after coding-DNA position 2097, G replaced by T.
Molecular consequence: intron variant.
Genome position (GRCh38, 1-based): chr17:61,776,396, C>A on the plus strand (G>T on the coding strand, the complement: BRIP1 is on the minus strand). VCF-style: chr17-61776396-C-A. GRCh37 (hg19) VCF-style: chr17-59853757-C-A.
Identifiers: ClinVar variation 2942281 (VCV002942281.3), dbSNP rs1567808616, ClinGen allele CA2733676880.
Genomic context (GRCh38, chr17:61,776,396, plus strand): 5'-GCATGCCAATGTTTAAAATGTAAATGATTATTTAAAGGCAAAAGAAACAATAAATATTCC[C>A]TTACCTTGTAAGATGGCAAGAAACACAAAATTCCTTGGCTCACAGTCTGGCACACAGATA-3'

ClinVar aggregate classification (germline): Uncertain significance (1 of 4 stars; one submission).

Conditions:
Fanconi anemia complementation group J. Also called: BRIP1-Related Fanconi Anemia. Identifiers: Orphanet 84, MedGen C1836860, MONDO:0012187, OMIM 609054.
Familial cancer of breast. Also called: BREAST CANCER, FAMILIAL; Hereditary breast cancer; hereditary breast carcinoma. Identifiers: Orphanet 227535, MedGen C0346153, MONDO:0016419, OMIM 114480. Disease mechanism: loss of function.

Submission:

Labcorp Genetics (formerly Invitae), Labcorp
Classification: Uncertain significance for Familial cancer of breast; Fanconi anemia complementation group J. Last evaluated: 2022-12-13. Review status: criteria provided, single submitter. Criteria: Invitae Variant Classification Sherloc (09022015). Collection method: clinical testing. Allele origin: germline.
Comment: This variant has not been reported in the literature in individuals affected with BRIP1-related conditions. This sequence change falls in intron 14 of the BRIP1 gene. It does not directly change the encoded amino acid sequence of the BRIP1 protein. It affects a nucleotide within the consensus splice site. This variant is not present in population databases (gnomAD no frequency). Variants that disrupt the consensus splice site are a relatively common cause of aberrant splicing (PMID: 17576681, 9536098). Algorithms developed to predict the effect of sequence changes on RNA splicing suggest that this variant is not likely to affect RNA splicing. In summary, the available evidence is currently insufficient to determine the role of this variant in disease. Therefore, it has been classified as a Variant of Uncertain Significance.

Literature cited by the submitters: PubMed 17576681; PubMed 9536098.